The following is an entry in ClinVar:

ClinVar aggregate classification (germline): Uncertain significance (1 of 4 stars; one submission).

Submission:

GeneDx
Classification: Uncertain significance. Last evaluated: 2023-09-12. Review status: criteria provided, single submitter. Criteria: GeneDx Variant Classification Process June 2021. Collection method: clinical testing. Allele origin: germline. Affected: yes.
Comment: Identified in an individual with dilated cardiomyopathy/ restrictive cardiomyopathy phenotype with TNNT2 p.(E246G) (phase unknown) in conjunction with other cardiogenetic variants in the published literature (PMID: 33906374); Not observed at significant frequency in large population cohorts (gnomAD); Nonsense variant predicted to result in protein truncation or nonsense mediated decay in a gene for which loss-of-function is not a known mechanism of disease; This variant is associated with the following publications: (PMID: 27535533, 33906374)

NM_001276345.2(TNNT2):c.349G>T (p.Glu117Ter)

Gene: TNNT2 (troponin T2, cardiac type; minus strand). Cytogenetic location: 1q32.1.
Variant type: single nucleotide variant.
Coding change: c.349G>T on transcript NM_001276345.2 (MANE Select); coding-DNA position 349, G replaced by T.
Protein change: p.Glu117Ter; replaces glutamic acid 117 with a stop codon.
Molecular consequence: nonsense. On other transcripts: intron variant (1).
Genome position (GRCh38, 1-based): chr1:201,365,253, C>A on the plus strand (G>T on the coding strand, the complement: TNNT2 is on the minus strand). VCF-style: chr1-201365253-C-A. GRCh37 (hg19) VCF-style: chr1-201334381-C-A.
Other names: p.E107*:GAG>TAG; c.291+357G>T (NM_001276346.2); c.319G>T, p.Glu107Ter (NM_001276347.2, NM_001001431.3, NM_001001430.3); c.304G>T, p.Glu102Ter (NM_001001432.3); c.349G>T, p.Glu117Ter (NM_000364.4); short protein forms E107*, E117*, E102*.
Identifiers: ClinVar variation 181615 (VCV000181615.4), dbSNP rs730881099, ClinGen allele CA004369.